The following is an entry in ClinVar:

ClinVar aggregate classification (germline): Pathogenic (1 of 4 stars; one submission).

Conditions:
Duchenne muscular dystrophy (DMD). Also called: Duchenne Muscular Dystrophy (DMD); MUSCULAR DYSTROPHY, PSEUDOHYPERTROPHIC PROGRESSIVE, DUCHENNE TYPE. Identifiers: Orphanet 98896, MedGen C0013264, MONDO:0010679, OMIM 310200.

Submission:

Labcorp Genetics (formerly Invitae), Labcorp
Classification: Pathogenic for Duchenne muscular dystrophy. Last evaluated: 2023-11-24. Review status: criteria provided, single submitter. Criteria: Invitae Variant Classification Sherloc (09022015). Collection method: clinical testing. Allele origin: germline.
Comment: This variant is a gross deletion of the genomic region encompassing exon(s) 53-54 of the DMD gene. This deletion is out-of-frame, and is expected to create a premature termination codon and result in an absent or disrupted protein product. Loss-of-function variants in DMD are known to be pathogenic (PMID: 16770791, 25007885). A similar copy number variant has been observed in individuals with Becker or Duchenne muscular dystrophy (PMID: 9800909, 11524473, 21969337, 24928015). For these reasons, this variant has been classified as Pathogenic.

Literature cited by the submitters: PubMed 16770791; PubMed 25007885; PubMed 9800909; PubMed 11524473; PubMed 21969337; PubMed 24928015.

NC_000023.10:g.(?_31676087)_(31697723_?)del

Gene: DMD (dystrophin; minus strand). Cytogenetic location: Xp21.1.
Variant type: Deletion.
Identifiers: ClinVar variation 1455843 (VCV001455843.6).